The following is an entry in ClinVar:

NM_014225.6(PPP2R1A):c.170-12T>C

Gene: PPP2R1A (protein phosphatase 2 scaffold subunit Aalpha; plus strand). Cytogenetic location: 19q13.41.
Variant type: single nucleotide variant.
Coding change: c.170-12T>C on transcript NM_014225.6 (MANE Select); 12 bases into the intron before coding-DNA position 170, T replaced by C.
Molecular consequence: intron variant.
Genome position (GRCh38, 1-based): chr19:52,205,951, T>C. VCF-style: chr19-52205951-T-C. GRCh37 (hg19) VCF-style: chr19-52709204-T-C.
Other names: c.-368-12T>C (NM_001363656.2).
Identifiers: ClinVar variation 1635482 (VCV001635482.23), dbSNP rs768335724, ClinGen allele CA9621281.

ClinVar aggregate classification (germline): Likely benign. Review status: criteria provided, multiple submitters, no conflicts (2 of 4 stars). 3 submissions from 3 submitters: Likely benign (3). Last evaluated 2025-07-06.

Allele frequency attached by ClinVar (database versions not stated): ExAC 0.00003; gnomAD exomes 0.00004; gnomAD 0.00001 and 0.00002; TOPMed 0.00002.
gnomAD v4.1: 43 of 1,609,976 alleles (0.0027%); highest among the groups gnomAD compares: Non-Finnish European, 0.0035%; no homozygotes.

Submissions (3):

Labcorp Genetics (formerly Invitae), Labcorp
Classification: Likely benign. Last evaluated: 2025-07-06. Review status: criteria provided, single submitter. Criteria: Invitae Variant Classification Sherloc (09022015). Collection method: clinical testing. Allele origin: germline.

Blueprint Genetics
Classification: Likely benign. Last evaluated: 2024-10-30. Review status: criteria provided, single submitter. Criteria: ACMG Guidelines, 2015. Collection method: clinical testing. Allele origin: germline.

CeGaT Center for Human Genetics Tuebingen
Classification: Likely benign. Last evaluated: 2024-09-01. Review status: criteria provided, single submitter. Criteria: CeGaT Center For Human Genetics Tuebingen Variant Classification Criteria Version 2. Collection method: clinical testing. Allele origin: germline. Affected: yes. Observed: 1 variant allele.
Comment: PPP2R1A: PP2, BS2